The following is an entry in ClinVar:

NM_000821.7(GGCX):c.*1282G>A

Gene: GGCX (gamma-glutamyl carboxylase; minus strand). Cytogenetic location: 2p11.2.
Variant type: single nucleotide variant.
Coding change: c.*1282G>A on transcript NM_000821.7 (MANE Select); 1282 bases downstream of the stop codon, G replaced by A.
Molecular consequence: 3 prime UTR variant.
Genome position (GRCh38, 1-based): chr2:85,548,652, C>T on the plus strand (G>A on the coding strand, the complement: GGCX is on the minus strand). VCF-style: chr2-85548652-C-T. GRCh37 (hg19) VCF-style: chr2-85775775-C-T.
Other names: c.*1282G>A (NM_001142269.4).
Identifiers: ClinVar variation 337229 (VCV000337229.5), dbSNP rs574843893, ClinGen allele CA10614044.

ClinVar aggregate classification (germline): Likely benign (1 of 4 stars; one submission).

Conditions:
Vitamin K-dependent clotting factors, combined deficiency of, type 1. Also called: FACTORS II, VII, IX, AND X, COMBINED DEFICIENCY OF; FAMILIAL MULTIPLE COAGULATION FACTOR DEFICIENCY III; FMFD III; GLUTAMIC ACID, DEFICIENT GAMMA-CARBOXYLATION OF; MULTIPLE COAGULATION FACTOR DEFICIENCY III; VITAMIN K-DEPENDENT COAGULATION DEFECT. Identifiers: Orphanet 98434, MedGen C1848534, MONDO:0010187, OMIM 277450.

Allele frequency attached by ClinVar (database versions not stated): 1000 Genomes Project 0.00260; gnomAD below 0.00001; TOPMed 0.00003; 1000 Genomes Project 30x 0.00234.

Submission:

Illumina Laboratory Services, Illumina
Classification: Likely benign for Vitamin K-dependent clotting factors, combined deficiency of, type 1. Last evaluated: 2018-01-12. Review status: criteria provided, single submitter. Criteria: ICSL Variant Classification Criteria 13 December 2019. Collection method: clinical testing. Allele origin: germline.
Comment: This variant was observed in the ICSL laboratory as part of a predisposition screen in an ostensibly healthy population. It had not been previously curated by ICSL or reported in the Human Gene Mutation Database (HGMD: prior to June 1st, 2018), and was therefore a candidate for classification through an automated scoring system. Utilizing variant allele frequency, disease prevalence and penetrance estimates, and inheritance mode, an automated score was calculated to assess if this variant is too frequent to cause the disease. Based on the score and internal cut-off values, a variant classified as likely benign is not then subjected to further curation. The score for this variant resulted in a classification of likely benign for this disease.